The following is an entry in ClinVar:

NM_004656.4(BAP1):c.2036T>C (p.Ile679Thr)

Gene: BAP1 (BRCA1 associated deubiquitinase 1; minus strand). Cytogenetic location: 3p21.1.
Variant type: single nucleotide variant.
Coding change: c.2036T>C on transcript NM_004656.4 (MANE Select); coding-DNA position 2036, T replaced by C.
Protein change: p.Ile679Thr; replaces isoleucine 679 with threonine.
Molecular consequence: missense variant.
Genome position (GRCh38, 1-based): chr3:52,402,622, A>G on the plus strand (T>C on the coding strand, the complement: BAP1 is on the minus strand). VCF-style: chr3-52402622-A-G. GRCh37 (hg19) VCF-style: chr3-52436638-A-G.
Other names: short protein forms I679T.
Identifiers: ClinVar variation 1402070 (VCV001402070.8), dbSNP rs2153226189, ClinGen allele CA353096190.

ClinVar aggregate classification (germline): Uncertain significance (1 of 4 stars; one submission).

Conditions:
BAP1-related tumor predisposition syndrome (TPDS1). Also called: BAP1 tumor predisposition syndrome; COMMON Syndrome; TUMOR PREDISPOSITION SYNDROME 1; Tumor susceptibility linked to germline BAP1 mutations. Identifiers: Orphanet 289539, MedGen C3280492, MONDO:0013692, OMIM 614327.

gnomAD v4.1: 1 of 1,614,192 alleles (0.000062%); highest among the groups gnomAD compares: Non-Finnish European, 0.000085%; no homozygotes.

Submission:

Labcorp Genetics (formerly Invitae), Labcorp
Classification: Uncertain significance for BAP1-related tumor predisposition syndrome. Last evaluated: 2024-07-30. Review status: criteria provided, single submitter. Criteria: Invitae Variant Classification Sherloc (09022015). Collection method: clinical testing. Allele origin: germline.
Comment: This sequence change replaces isoleucine, which is neutral and non-polar, with threonine, which is neutral and polar, at codon 679 of the BAP1 protein (p.Ile679Thr). This variant is not present in population databases (gnomAD no frequency). This variant has not been reported in the literature in individuals affected with BAP1-related conditions. ClinVar contains an entry for this variant (Variation ID: 1402070). Advanced modeling of protein sequence and biophysical properties (such as structural, functional, and spatial information, amino acid conservation, physicochemical variation, residue mobility, and thermodynamic stability) performed at Invitae indicates that this missense variant is expected to disrupt BAP1 protein function with a positive predictive value of 80%. In summary, the available evidence is currently insufficient to determine the role of this variant in disease. Therefore, it has been classified as a Variant of Uncertain Significance.